The following is an entry in ClinVar:

ClinVar aggregate classification (germline): Uncertain significance. Review status: criteria provided, multiple submitters, no conflicts (2 of 4 stars). 4 submissions from 4 submitters: Uncertain significance (4). Last evaluated 2025-10-11.

Conditions:
Cardiovascular phenotype. Identifiers: MedGen CN230736.
Myopathy, reducing body, X-linked, childhood-onset (RBMX1B). Also called: REDUCING BODY MYOPATHY, X-LINKED 1B, WITH LATE CHILDHOOD OR ADULT ONSET. Identifiers: Orphanet 97239, MedGen C4225159, MONDO:0010415, OMIM 300718.
Myopathy, reducing body, X-linked, early-onset, severe (RBMX1A). Also called: REDUCING BODY MYOPATHY, X-LINKED 1, SEVERE, WITH INFANTILE OR EARLY CHILDHOOD ONSET. Identifiers: Orphanet 97239, MedGen C4225423, MONDO:0010414, OMIM 300717.
X-linked myopathy with postural muscle atrophy. Also called: FHL1-Related Emery-Dreifuss Muscular Dystrophy, X-Linked. Identifiers: Orphanet 178461, MedGen C2678055, MONDO:0010401, OMIM 300696.
Uruguay Faciocardiomusculoskeletal syndrome. Identifiers: MedGen C1846010, MONDO:0010292, OMIM 300280.
X-linked scapuloperoneal muscular dystrophy. Also called: SCAPULOPERONEAL MYOPATHY, FHL1-RELATED. Identifiers: Orphanet 431272, MedGen C2678061, MONDO:0010400, OMIM 300695.

Allele frequency attached by ClinVar (database versions not stated): ExAC 0.00001; gnomAD exomes 0.00001.
gnomAD v4.1: 12 of 1,211,927 alleles (0.00099%); highest among the groups gnomAD compares: Non-Finnish European, 0.0012%; no homozygotes.

Submissions (4):

Labcorp Genetics (formerly Invitae), Labcorp
Classification: Uncertain significance for X-linked myopathy with postural muscle atrophy. Last evaluated: 2025-10-11. Review status: criteria provided, single submitter. Criteria: Invitae Variant Classification Sherloc (09022015). Collection method: clinical testing. Allele origin: germline.
Comment: This sequence change replaces asparagine, which is neutral and polar, with lysine, which is basic and polar, at codon 85 of the FHL1 protein (p.Asn85Lys). This variant is present in population databases (rs762126486, gnomAD no frequency). This variant has not been reported in the literature in individuals affected with FHL1-related conditions. ClinVar contains an entry for this variant (Variation ID: 1312609). An algorithm developed to predict the effect of missense changes on protein structure and function (PolyPhen-2) suggests that this variant is likely to be tolerated. In summary, the available evidence is currently insufficient to determine the role of this variant in disease. Therefore, it has been classified as a Variant of Uncertain Significance.

Fulgent Genetics
Classification: Uncertain significance for Uruguay Faciocardiomusculoskeletal syndrome; X-linked scapuloperoneal muscular dystrophy; X-linked myopathy with postural muscle atrophy; Myopathy, reducing body, X-linked, early-onset, severe; Myopathy, reducing body, X-linked, childhood-onset. Last evaluated: 2022-02-08. Review status: criteria provided, single submitter. Criteria: ACMG Guidelines, 2015. Collection method: clinical testing. Allele origin: unknown.

GeneDx
Classification: Uncertain significance. Last evaluated: 2021-02-25. Review status: criteria provided, single submitter. Criteria: GeneDx Variant Classification Process June 2021. Collection method: clinical testing. Allele origin: germline. Affected: yes.
Comment: Missense variants in this gene are often considered pathogenic (Stenson et al., 2014); In silico analysis supports that this missense variant does not alter protein structure/function; Has not been previously published as pathogenic or benign to our knowledge

Ambry Genetics
Classification: Uncertain significance for Cardiovascular phenotype. Last evaluated: 2020-12-11. Review status: criteria provided, single submitter. Criteria: Ambry Variant Classification Scheme 2023. Collection method: clinical testing. Allele origin: germline.
Comment: The p.N85K variant (also known as c.255C>G), located in coding exon 2 of the FHL1 gene, results from a C to G substitution at nucleotide position 255. The asparagine at codon 85 is replaced by lysine, an amino acid with similar properties. Based on data from gnomAD, the G allele has an overall frequency of 0.0005% (1/182982) total alleles studied, with 1 hemizygote observed. The highest observed frequency was 0.02213% (1/4519) of Other alleles. This amino acid position is not well conserved in available vertebrate species. In addition, this alteration is predicted to be tolerated by in silico analysis. Since supporting evidence is limited at this time, the clinical significance of this alteration remains unclear.

NM_001159699.2(FHL1):c.303C>G (p.Asn101Lys)

Gene: FHL1 (four and a half LIM domains 1; plus strand). Cytogenetic location: Xq26.3.
Variant type: single nucleotide variant.
Coding change: c.303C>G on transcript NM_001159699.2 (MANE Select); coding-DNA position 303, C replaced by G.
Protein change: p.Asn101Lys; replaces asparagine 101 with lysine.
Molecular consequence: missense variant. On other transcripts: non-coding transcript variant (1).
Genome position (GRCh38, 1-based): chrX:136,207,114, C>G. VCF-style: chrX-136207114-C-G. GRCh37 (hg19) VCF-style: chrX-135289273-C-G.
Other names: c.255C>G, p.Asn85Lys (NM_001159700.2, NM_001159702.3, NM_001159703.2 and 9 more transcripts); c.342C>G, p.Asn114Lys (NM_001159701.2); c.303C>G, p.Asn101Lys (NM_001330659.2); short protein forms N101K, N114K, N85K.
Identifiers: ClinVar variation 1312609 (VCV001312609.12), dbSNP rs762126486, ClinGen allele CA10524978.